The following is an entry in ClinVar:

ClinVar aggregate classification (germline): Uncertain significance (1 of 4 stars; one submission).

Conditions:
Hereditary cancer-predisposing syndrome. Also called: Tumor predisposition; Hereditary Cancer Syndrome; Hereditary neoplastic syndrome; Neoplastic Syndromes, Hereditary. Identifiers: Orphanet 140162, MedGen C0027672, MeSH D009386, MONDO:0015356.

Submission:

Ambry Genetics
Classification: Uncertain significance for Hereditary cancer-predisposing syndrome. Last evaluated: 2025-09-28. Review status: criteria provided, single submitter. Criteria: Ambry Variant Classification Scheme 2023. Collection method: clinical testing. Allele origin: germline.
Comment: The p.C1565R variant (also known as c.4693T>C), located in coding exon 32 of the SMARCA4 gene, results from a T to C substitution at nucleotide position 4693. The cysteine at codon 1565 is replaced by arginine, an amino acid with highly dissimilar properties. This amino acid position is conserved. In addition, the in silico prediction for this alteration is inconclusive. Based on the available evidence, the clinical significance of this variant remains unclear.

NM_003072.5(SMARCA4):c.4597T>C (p.Cys1533Arg)

Gene: SMARCA4 (SWI/SNF related BAF chromatin remodeling complex subunit ATPase 4; plus strand). Cytogenetic location: 19p13.2.
Variant type: single nucleotide variant.
Coding change: c.4597T>C on transcript NM_003072.5 (MANE Select); coding-DNA position 4597, T replaced by C.
Protein change: p.Cys1533Arg; replaces cysteine 1533 with arginine.
Molecular consequence: missense variant. On other transcripts: non-coding transcript variant (1).
Genome position (GRCh38, 1-based): chr19:11,058,851, T>C. VCF-style: chr19-11058851-T-C. GRCh37 (hg19) VCF-style: chr19-11169527-T-C.
Other names: c.4597T>C, p.Cys1533Arg (NM_001128844.3); c.4507T>C, p.Cys1503Arg (NM_001128845.2); c.4504T>C, p.Cys1502Arg (NM_001128846.2); c.4498T>C, p.Cys1500Arg (NM_001128847.4, NM_001374457.1); c.4495T>C, p.Cys1499Arg (NM_001128848.2); c.4693T>C, p.Cys1565Arg (NM_001128849.3, NM_001387283.1); c.4594T>C, p.Cys1532Arg (NM_001411150.1); short protein forms C1499R, C1500R, C1532R, C1503R, C1565R, C1502R, C1533R.
Identifiers: ClinVar variation 4549260 (VCV004549260.1).